The following is an entry in ClinVar:

NM_053025.4(MYLK):c.2692C>T (p.Arg898Ter)

Gene: MYLK (myosin light chain kinase; minus strand). Cytogenetic location: 3q21.1.
Variant type: single nucleotide variant.
Coding change: c.2692C>T on transcript NM_053025.4 (MANE Select); coding-DNA position 2692, C replaced by T.
Protein change: p.Arg898Ter; replaces arginine 898 with a stop codon.
Molecular consequence: nonsense.
Genome position (GRCh38, 1-based): chr3:123,700,776, G>A on the plus strand (C>T on the coding strand, the complement: MYLK is on the minus strand). VCF-style: chr3-123700776-G-A. GRCh37 (hg19) VCF-style: chr3-123419623-G-A.
Other names: c.2692C>T (NM_053025.3); c.2164C>T, p.Arg722Ter (NM_001321309.2); c.2485C>T, p.Arg829Ter (NM_053026.4, NM_053028.4); c.2692C>T, p.Arg898Ter (NM_053027.4); short protein forms R898*, R829*, R722*.
Identifiers: ClinVar variation 2884362 (VCV002884362.5), dbSNP rs747171137, ClinGen allele CA068884.

ClinVar aggregate classification (germline): Uncertain significance. Review status: criteria provided, multiple submitters, no conflicts (2 of 4 stars). 3 submissions from 3 submitters: Uncertain significance (3). Last evaluated 2026-03-24.

Conditions:
Familial thoracic aortic aneurysm and aortic dissection (TAAD). Also called: Thoracic aortic aneurysms and dissections. Identifiers: Orphanet 91387, MedGen C4707243, MONDO:0019625.
Aortic aneurysm, familial thoracic 7 (AAT7). Also called: AORTIC DISSECTION, FAMILIAL, WITH OR WITHOUT AORTIC ANEURYSM. Identifiers: MedGen C3151077, MONDO:0013418, OMIM 613780.
Megacystis-microcolon-intestinal hypoperistalsis syndrome 1. Identifiers: MedGen C5542316, MONDO:0100354, OMIM 249210.

Allele frequency attached by ClinVar (database versions not stated): gnomAD exomes below 0.00001; TOPMed below 0.00001; ExAC 0.00001; gnomAD 0.00001.
gnomAD v4.1: 8 of 1,614,098 alleles (0.0005%); highest among the groups gnomAD compares: East Asian, 0.0067%; no homozygotes.

Submissions (3):

Ambry Genetics
Classification: Uncertain significance for Familial thoracic aortic aneurysm and aortic dissection. Last evaluated: 2026-03-24. Review status: criteria provided, single submitter. Criteria: Ambry Variant Classification Scheme 2023. Collection method: clinical testing. Allele origin: germline.
Comment: The p.R898* variant (also known as c.2692C>T), located in coding exon 15 of the MYLK gene, results from a C to T substitution at nucleotide position 2692. This changes the amino acid from an arginine to a stop codon within coding exon 15. This variant is expected to result in loss of function due to an abnormal transcript, a translational frameshift leading to premature truncation, or nonsense-mediated mRNA decay. However, this alteration impacts only the long, nonmuscle MYLK isoform. While loss of function alterations that impact both the long and short MYLK isoforms have been reported in many patients with thoracic aortic aneurysms and dissections (TAAD), similar data is lacking for alterations that affect only the long isoform (Wallace SE et al. Genet Med 2019 01;21(1):144-151; Ambry internal data). Since supporting evidence is limited at this time, the clinical significance of this alteration remains unclear.

Labcorp Genetics (formerly Invitae), Labcorp
Classification: Uncertain significance for Aortic aneurysm, familial thoracic 7. Last evaluated: 2025-09-14. Review status: criteria provided, single submitter. Criteria: Invitae Variant Classification Sherloc (09022015). Collection method: clinical testing. Allele origin: germline.
Comment: This sequence change creates a premature translational stop signal (p.Arg898*) in the MYLK gene. This variant occurs in the long isoform of MYLK (PMID: 21055718). The current clinical and genetic evidence is not sufficient to establish whether loss-of-function variants in the long isoform of MYLK cause disease. This variant is present in population databases (rs747171137, gnomAD 0.006%). This variant has not been reported in the literature in individuals affected with MYLK-related conditions. ClinVar contains an entry for this variant (Variation ID: 2884362). In summary, the available evidence is currently insufficient to determine the role of this variant in disease. Therefore, it has been classified as a Variant of Uncertain Significance.

Juno Genomics, Hangzhou Juno Genomics, Inc
Classification: Uncertain significance for Aortic aneurysm, familial thoracic 7; Megacystis-microcolon-intestinal hypoperistalsis syndrome 1. Review status: criteria provided, single submitter. Criteria: ACMG Guidelines, 2015. Collection method: clinical testing. Allele origin: germline.
Comment: Absent from controls (or at extremely low frequency if recessive) in Genome Aggregation Database.

Literature cited by the submitters: PubMed 21055718 (cited by Labcorp Genetics (formerly Invitae), Labcorp).